The following is an entry in ClinVar:

ClinVar aggregate classification (germline): Likely benign (1 of 4 stars; one submission).

gnomAD v4.1: 96 of 1,608,986 alleles (0.006%); highest among the groups gnomAD compares: South Asian, 0.068%; 1 homozygote.

Submission:

CeGaT Center for Human Genetics Tuebingen
Classification: Likely benign. Last evaluated: 2025-09-01. Review status: criteria provided, single submitter. Criteria: CeGaT Center For Human Genetics Tuebingen Variant Classification Criteria Version 2. Collection method: clinical testing. Allele origin: germline. Affected: yes. Observed: 1 variant allele.
Comment: NRF1: BP4, BP7

NM_005011.5(NRF1):c.1215G>A (p.Ala405=)

Gene: NRF1 (nuclear respiratory factor 1; plus strand). Cytogenetic location: 7q32.2.
Variant type: single nucleotide variant.
Coding change: c.1215G>A on transcript NM_005011.5 (MANE Select); coding-DNA position 1215, G replaced by A.
Protein change: p.Ala405=; no amino-acid change (alanine 405 retained).
Molecular consequence: synonymous variant.
Genome position (GRCh38, 1-based): chr7:129,717,368, G>A. VCF-style: chr7-129717368-G-A. GRCh37 (hg19) VCF-style: chr7-129357208-G-A.
Other names: c.1215G>A, p.Ala405= (NM_001040110.2, NM_001293163.2); c.732G>A, p.Ala244= (NM_001293164.2).
Identifiers: ClinVar variation 4281060 (VCV004281060.7).